The following is an entry in ClinVar:

NM_000448.3(RAG1):c.1048G>C (p.Val350Leu)

Gene: RAG1 (recombination activating 1; plus strand). Cytogenetic location: 11p12.
Variant type: single nucleotide variant.
Coding change: c.1048G>C on transcript NM_000448.3 (MANE Select); coding-DNA position 1048, G replaced by C.
Protein change: p.Val350Leu; replaces valine 350 with leucine.
Molecular consequence: missense variant.
Genome position (GRCh38, 1-based): chr11:36,574,352, G>C. VCF-style: chr11-36574352-G-C. GRCh37 (hg19) VCF-style: chr11-36595902-G-C.
Other names: c.1048G>C, p.Val350Leu (NM_001377277.1, NM_001377278.1, NM_001377279.1 and 1 more transcripts); short protein forms V350L.
Identifiers: ClinVar variation 1014678 (VCV001014678.6), dbSNP rs200758244, ClinGen allele CA380151084.

ClinVar aggregate classification (germline): Uncertain significance (1 of 4 stars; one submission).

Conditions:
Severe combined immunodeficiency, autosomal recessive, T cell-negative, B cell-negative, NK cell-positive. Also called: Severe combined immunodeficiency due to complete RAG1/2 deficiency; SCID, AR, T-cell negative, B-cell negative, NK cell-positive; SCID, T CELL-NEGATIVE, B CELL-NEGATIVE, NK CELL-POSITIVE. Identifiers: Orphanet 331206, MedGen C1832322, MONDO:0011086, OMIM 601457.
Combined immunodeficiency with skin granulomas. Identifiers: Orphanet 157949, MedGen C2673536, MONDO:0009306, OMIM 233650.

Submission:

Labcorp Genetics (formerly Invitae), Labcorp
Classification: Uncertain significance for Combined immunodeficiency with skin granulomas; Severe combined immunodeficiency, autosomal recessive, T cell-negative, B cell-negative, NK cell-positive. Last evaluated: 2021-08-27. Review status: criteria provided, single submitter. Criteria: Invitae Variant Classification Sherloc (09022015). Collection method: clinical testing. Allele origin: germline.
Comment: This sequence change replaces valine with leucine at codon 350 of the RAG1 protein (p.Val350Leu). The valine residue is weakly conserved and there is a small physicochemical difference between valine and leucine. This variant is not present in population databases (ExAC no frequency). This variant has not been reported in the literature in individuals affected with RAG1-related conditions. Algorithms developed to predict the effect of missense changes on protein structure and function (SIFT, PolyPhen-2, Align-GVGD) all suggest that this variant is likely to be tolerated. In summary, the available evidence is currently insufficient to determine the role of this variant in disease. Therefore, it has been classified as a Variant of Uncertain Significance.